The following is an entry in ClinVar:

ClinVar aggregate classification (germline): Likely benign. Review status: criteria provided, single submitter (1 of 4 stars). 2 submissions from 2 submitters: Likely benign (1). 1 of the submissions does not count toward it. Last evaluated 2025-07-27.

Conditions:
IKZF1-related disorder. Also called: IKZF1-related condition.

Allele frequency attached by ClinVar (database versions not stated): ESP Exome Variant Server 0.00008; gnomAD exomes 0.00001; gnomAD 0.00011; TOPMed 0.00014.
gnomAD v4.1: 28 of 1,580,498 alleles (0.0018%); highest among the groups gnomAD compares: African/African-American, 0.036%; no homozygotes.

Submissions (2):

Labcorp Genetics (formerly Invitae), Labcorp
Classification: Likely benign. Last evaluated: 2025-07-27. Review status: criteria provided, single submitter. Criteria: Invitae Variant Classification Sherloc (09022015). Collection method: clinical testing. Allele origin: germline.

PreventionGenetics, part of Exact Sciences
Classification: Likely benign for IKZF1-related condition. Last evaluated: 2020-11-13. Review status: no assertion criteria provided. Collection method: clinical testing. Allele origin: germline. Not counted in ClinVar's aggregate classification.
Comment: This variant is classified as likely benign based on ACMG/AMP sequence variant interpretation guidelines (Richards et al. 2015 PMID: 25741868, with internal and published modifications).

NM_006060.6(IKZF1):c.1134G>A (p.Lys378=)

Gene: IKZF1 (IKAROS family zinc finger 1; plus strand). Cytogenetic location: 7p12.2.
Variant type: single nucleotide variant.
Coding change: c.1134G>A on transcript NM_006060.6 (MANE Select); coding-DNA position 1134, G replaced by A.
Protein change: p.Lys378=; no amino-acid change (lysine 378 retained).
Molecular consequence: synonymous variant.
Genome position (GRCh38, 1-based): chr7:50,400,201, G>A. VCF-style: chr7-50400201-G-A. GRCh37 (hg19) VCF-style: chr7-50467899-G-A.
Other names: c.1134G>A (NM_006060.5); c.1008G>A, p.Lys336= (NM_001220765.3, NM_001291837.2); c.843G>A, p.Lys281= (NM_001220767.2); c.873G>A, p.Lys291= (NM_001220768.2, NM_001291838.2); c.717G>A, p.Lys239= (NM_001220770.2); c.705G>A, p.Lys235= (NM_001220771.2, NM_001291841.1); c.747G>A, p.Lys249= (NM_001291839.2); c.444G>A, p.Lys148= (NM_001291840.1); and 4 more.
Identifiers: ClinVar variation 1978061 (VCV001978061.7), dbSNP rs367726640, ClinGen allele CA4261466.